The following is an entry in ClinVar:

NM_001170629.2(CHD8):c.4096A>G (p.Ile1366Val)

Gene: CHD8 (chromodomain helicase DNA binding protein 8; minus strand). Cytogenetic location: 14q11.2.
Variant type: single nucleotide variant.
Coding change: c.4096A>G on transcript NM_001170629.2 (MANE Select); coding-DNA position 4096, A replaced by G.
Protein change: p.Ile1366Val; replaces isoleucine 1366 with valine.
Molecular consequence: missense variant.
Genome position (GRCh38, 1-based): chr14:21,401,480, T>C on the plus strand (A>G on the coding strand, the complement: CHD8 is on the minus strand). VCF-style: chr14-21401480-T-C. GRCh37 (hg19) VCF-style: chr14-21869639-T-C.
Other names: c.3259A>G, p.Ile1087Val (NM_020920.4); short protein forms I1087V, I1366V.
Identifiers: ClinVar variation 4755904 (VCV004755904.1).

ClinVar aggregate classification (germline): Uncertain significance (1 of 4 stars; one submission).

Submission:

GeneDx
Classification: Uncertain significance. Last evaluated: 2025-08-04. Review status: criteria provided, single submitter. Criteria: GeneDx Variant Classification Process June 2021. Collection method: clinical testing. Allele origin: germline. Affected: yes.
Comment: Not observed at significant frequency in large population cohorts (gnomAD); In silico analysis suggests that this missense variant does not alter protein structure/function; Has not been previously published as pathogenic or benign to our knowledge